The following is an entry in ClinVar:

NM_001376.5(DYNC1H1):c.4334T>C (p.Ile1445Thr)

Gene: DYNC1H1 (dynein cytoplasmic 1 heavy chain 1; plus strand). Cytogenetic location: 14q32.31.
Variant type: single nucleotide variant.
Coding change: c.4334T>C on transcript NM_001376.5 (MANE Select); coding-DNA position 4334, T replaced by C.
Protein change: p.Ile1445Thr; replaces isoleucine 1445 with threonine.
Molecular consequence: missense variant.
Genome position (GRCh38, 1-based): chr14:102,001,293, T>C. VCF-style: chr14-102001293-T-C. GRCh37 (hg19) VCF-style: chr14-102467630-T-C.
Other names: short protein forms I1445T.
Identifiers: ClinVar variation 3636140 (VCV003636140.2).
Genomic context (GRCh38, chr14:102,001,293, plus strand): 5'-TTGTTTCTGAGCTAACCCTTGGCCAAATCTGGGATGTTGACTTGCAGAAAAATGAAGCGA[T>C]TGTCAAGGATGTACTGCTTGTGGCACAAGGGGAGATGGCTTTGGAAGAATTTTTGAAGCA-3'
Protein context (NP_001367.2, residues 1435-1455): WDVDLQKNEA[Ile1445Thr]VKDVLLVAQG

ClinVar aggregate classification (germline): Uncertain significance (1 of 4 stars; one submission).

Conditions:
Charcot-Marie-Tooth disease axonal type 2O. Also called: Charcot-Marie-Tooth disease, axonal, type 20; CHARCOT-MARIE-TOOTH NEUROPATHY, AXONAL, TYPE 2O; CHARCOT-MARIE-TOOTH DISEASE, AXONAL, AUTOSOMAL DOMINANT, TYPE 2O; Charcot-Marie-Tooth Neuropathy Type 2O. Identifiers: Orphanet 284232, MedGen C3280220, MONDO:0013644, OMIM 614228.

Submission:

Labcorp Genetics (formerly Invitae), Labcorp
Classification: Uncertain significance for Charcot-Marie-Tooth disease axonal type 2O. Last evaluated: 2024-12-02. Review status: criteria provided, single submitter. Criteria: Invitae Variant Classification Sherloc (09022015). Collection method: clinical testing. Allele origin: germline.
Comment: This sequence change replaces isoleucine, which is neutral and non-polar, with threonine, which is neutral and polar, at codon 1445 of the DYNC1H1 protein (p.Ile1445Thr). This variant is not present in population databases (gnomAD no frequency). This variant has not been reported in the literature in individuals affected with DYNC1H1-related conditions. Invitae Evidence Modeling of protein sequence and biophysical properties (such as structural, functional, and spatial information, amino acid conservation, physicochemical variation, residue mobility, and thermodynamic stability) indicates that this missense variant is not expected to disrupt DYNC1H1 protein function with a negative predictive value of 95%. In summary, the available evidence is currently insufficient to determine the role of this variant in disease. Therefore, it has been classified as a Variant of Uncertain Significance.